The following is an entry in ClinVar:

ClinVar aggregate classification (germline): Pathogenic (1 of 4 stars; one submission).

Conditions:
Hereditary angioedema type 1 (HAE1). Identifiers: Orphanet 100050, Orphanet 100051, Orphanet 91378, MedGen C2717906, MONDO:0015053, OMIM 106100.

Submission:

DNA-diagnostics Laboratory, Research Centre For Medical Genetics
Classification: Pathogenic for Hereditary angioedema type 1. Last evaluated: 2024-06-01. Review status: criteria provided, single submitter. Criteria: ACMG Guidelines, 2015. Collection method: research. Allele origin: germline. Inheritance: Autosomal dominant inheritance. Affected: yes. Observed: 1 variant allele, 1 heterozygote.
Comment: The c.664_667del variant in SERPING1 meets ACMG/ClinGen SVI guidance criteria to be classified as pathogenic: PVS1, PP4_Str, PM2_Sup

NM_000062.3(SERPING1):c.664_667del (p.Ser222fs)

Gene: SERPING1 (serpin family G member 1; plus strand). Cytogenetic location: 11q12.1.
Variant type: Microsatellite.
Coding change: c.664_667del on transcript NM_000062.3 (MANE Select); coding-DNA positions 664 to 667, 4 bases deleted (TCTC; older notation c.664_667delTCTC).
Protein change: p.Ser222fs; shifts the reading frame from serine 222.
Molecular consequence: frameshift variant.
Genome position (GRCh38, 1-based): chr11:57,602,148-57,602,151, TCTC deleted; deleting any 4 consecutive bases within chr11:57,602,146-57,602,151 gives the same sequence; the c. name uses the placement nearest the transcript's 3' end. VCF-style (leftmost placement, unchanged base first): chr11-57602145-GTCTC-G. GRCh37 (hg19) VCF-style: chr11-57369618-GTCTC-G.
Other names: c.664_667del, p.Ser222fs (NM_001032295.2); short protein forms S222fs.
Identifiers: ClinVar variation 3242566 (VCV003242566.2), dbSNP rs2495431242.